The following is an entry in ClinVar:

NM_206933.4(USH2A):c.5594A>T (p.Asp1865Val)

Genes: USH2A (usherin; minus strand), USH2A-AS2 (USH2A antisense RNA 2; plus strand). Cytogenetic location: 1q41.
Variant type: single nucleotide variant.
Coding change: c.5594A>T on transcript NM_206933.4 (MANE Select); coding-DNA position 5594, A replaced by T.
Protein change: p.Asp1865Val; replaces aspartic acid 1865 with valine.
Molecular consequence: missense variant.
Genome position (GRCh38, 1-based): chr1:216,073,279, T>A on the plus strand (A>T on the coding strand, the complement: USH2A is on the minus strand). VCF-style: chr1-216073279-T-A. GRCh37 (hg19) VCF-style: chr1-216246621-T-A.
Other names: short protein forms D1865V.
Identifiers: ClinVar variation 806354 (VCV000806354.44), dbSNP rs760543320, ClinGen allele CA344854951.
Genomic context (GRCh38, chr1:216,073,279, plus strand): 5'-CTGACAGCACCGCTGGACACAGATGCCAAGTTAACGACAGCACCCCGTGTAAATTTAACA[T>A]CCTTCATGCAACCACCGAAACCTAGCAAATAGTAAGGGATTAGTATCGCATAAAGGGCTT-3'
Protein context (NP_996816.3, residues 1855-1875): LEQGFGGCMK[Asp1865Val]VKFTRGAVVN

ClinVar aggregate classification (germline): Conflicting classifications of pathogenicity. Review status: criteria provided, conflicting classifications (1 of 4 stars). 4 submissions from 4 submitters: Pathogenic (1); Likely pathogenic (1); Uncertain significance (2). Last evaluated 2026-06-18.

Conditions:
Retinitis pigmentosa (RP). Identifiers: Orphanet 791, MedGen C0035334, MeSH D012174, MONDO:0019200, OMIM 268000. Inheritance: Autosomal dominant, autosomal recessive and X linked inheritance.
USH2A-related disorder. Also called: USH2A-related condition; USH2A-related disorders. Identifiers: MedGen CN239332.
Retinal dystrophy. Also called: Inherited retinal dystrophy. Identifiers: Orphanet 71862, MedGen C0854723, MeSH D058499, MONDO:0019118, HP:0000556.

Submissions (4):

Myriad Genetics, Inc.
Classification: Uncertain significance for USH2A-related disorder. Last evaluated: 2026-06-18. Review status: criteria provided, single submitter. Criteria: Myriad Autosomal Dominant, Autosomal Recessive and X-Linked Classification Criteria (2023). Collection method: clinical testing. Allele origin: unknown.
Comment: NM_206933.2(USH2A):c.5594A>T(D1865V) is a missense variant classified as a variant of uncertain significance in the context of USH2A-related disorders. D1865V has been observed in cases with relevant disease (PMID: Copikova_2020(Thesis), 39462066, 32531858). Relevant functional assessments of this variant are not available in the literature. D1865V has not been observed in referenced population frequency databases. In summary, there is insufficient evidence to classify NM_206933.2(USH2A):c.5594A>T(D1865V) as pathogenic or benign. Please note: this variant was assessed in the context of healthy population screening.

Molecular Genetics Laboratory, Institute for Ophthalmic Research
Classification: Pathogenic for Retinitis pigmentosa. Last evaluated: 2020-01-09. Review status: criteria provided, single submitter. Criteria: ACMG Guidelines, 2015. Collection method: research. Allele origin: germline. Affected: yes.

CeGaT Center for Human Genetics Tuebingen
Classification: Uncertain significance. Last evaluated: 2018-11-01. Review status: criteria provided, single submitter. Criteria: CeGaT Center For Human Genetics Tuebingen Variant Classification Criteria Version 2. Collection method: clinical testing. Allele origin: germline. Affected: yes. Observed: 1 variant allele.

Institute of Human Genetics, Univ. Regensburg, Univ. Regensburg
Classification: Likely pathogenic for Retinal dystrophy. Last evaluated: 2014-01-01. Review status: criteria provided, single submitter. Criteria: ACMG Guidelines, 2015. Collection method: clinical testing. Allele origin: germline. Affected: yes.

Literature cited by the submitters: PubMed 32531858 (cited by Institute of Human Genetics, Univ. Regensburg, Univ. Regensburg).